The following is an entry in ClinVar:

NM_024422.6(DSC2):c.2472G>A (p.Ser824=)

Gene: DSC2 (desmocollin 2; minus strand). Cytogenetic location: 18q12.1.
Variant type: single nucleotide variant.
Coding change: c.2472G>A on transcript NM_024422.6 (MANE Select); coding-DNA position 2472, G replaced by A.
Protein change: p.Ser824=; no amino-acid change (serine 824 retained).
Molecular consequence: synonymous variant.
Genome position (GRCh38, 1-based): chr18:31,068,930, C>T on the plus strand (G>A on the coding strand, the complement: DSC2 is on the minus strand). VCF-style: chr18-31068930-C-T. GRCh37 (hg19) VCF-style: chr18-28648896-C-T.
Other names: c.2472G>A, p.Ser824= (NM_004949.5).
Identifiers: ClinVar variation 536277 (VCV000536277.12), dbSNP rs374348925, ClinGen allele CA297686166.

ClinVar aggregate classification (germline): Conflicting classifications of pathogenicity. Review status: criteria provided, conflicting classifications (1 of 4 stars). 4 submissions from 4 submitters: Uncertain significance (1); Likely benign (3). Last evaluated 2025-12-03.

Conditions:
Familial isolated arrhythmogenic right ventricular dysplasia. Identifiers: Orphanet 217656, MedGen C4274968, MONDO:0016342.
Cardiovascular phenotype. Identifiers: MedGen CN230736.
Cardiomyopathy (CMYO). Also called: Cardiomyopathies. Identifiers: Orphanet 167848, MedGen C0878544, MONDO:0004994, HP:0001638. Inheritance: Various modes of inheritance.
Arrhythmogenic right ventricular dysplasia 11. Also called: Arrhythmogenic right ventricular dysplasia 11 with mild palmoplantar keratoderma and woolly hair; Arrhythmogenic Right Ventricular Dysplasia/Cardiomyopathy11; ARRHYTHMOGENIC RIGHT VENTRICULAR DYSPLASIA, FAMILIAL, 11. Identifiers: MedGen C1864850, MONDO:0012506, OMIM 610476.

Allele frequency attached by ClinVar (database versions not stated): ESP Exome Variant Server 0.00008; gnomAD 0.00001; gnomAD exomes 0.00001; TOPMed 0.00001.
gnomAD v4.1: 11 of 1,613,810 alleles (0.00068%); highest among the groups gnomAD compares: South Asian, 0.0033%; no homozygotes.

Submissions (4):

Labcorp Genetics (formerly Invitae), Labcorp
Classification: Likely benign for Arrhythmogenic right ventricular dysplasia 11. Last evaluated: 2025-12-03. Review status: criteria provided, single submitter. Criteria: Invitae Variant Classification Sherloc (09022015). Collection method: clinical testing. Allele origin: germline.

Ambry Genetics
Classification: Uncertain significance for Cardiovascular phenotype. Last evaluated: 2025-08-19. Review status: criteria provided, single submitter. Criteria: Ambry Variant Classification Scheme 2023. Collection method: clinical testing. Allele origin: germline.
Comment: The c.2472G>A variant (also known as p.S824S), located in coding exon 15 of the DSC2 gene, results from a G to A substitution at nucleotide position 2472. This nucleotide substitution does not change the serine at codon 824. This nucleotide position is poorly conserved in available vertebrate species. In silico splice site analysis for this alteration is inconclusive. Since supporting evidence is limited at this time, the clinical significance of this alteration remains unclear.

All of Us Research Program, National Institutes of Health
Classification: Likely benign for Familial isolated arrhythmogenic right ventricular dysplasia. Last evaluated: 2024-05-09. Review status: criteria provided, single submitter. Criteria: ACMG Guidelines, 2015. Collection method: clinical testing. Allele origin: germline. Inheritance: Autosomal dominant inheritance. Observed: 2 variant alleles, 2 heterozygotes.
Comment: This study involves interpretation of variants in research participants for the purpose of population health screening. Participant phenotype was not available at the time of variant classification. Additional details can be found in publication PMID: 35346344, PMCID: PMC8962531

Color Diagnostics, LLC DBA Color Health
Classification: Likely benign for Cardiomyopathy. Last evaluated: 2020-08-24. Review status: criteria provided, single submitter. Criteria: ACMG Guidelines, 2015. Collection method: clinical testing. Allele origin: germline.